The following is an entry in ClinVar:

ClinVar aggregate classification (germline): Uncertain significance (1 of 4 stars; one submission).

Submission:

GeneDx
Classification: Uncertain significance. Last evaluated: 2025-01-27. Review status: criteria provided, single submitter. Criteria: GeneDx Variant Classification Process June 2021. Collection method: clinical testing. Allele origin: germline. Affected: yes.
Comment: Not observed at significant frequency in large population cohorts (gnomAD); In silico analysis supports that this missense variant has a deleterious effect on protein structure/function; Has not been previously published as pathogenic or benign to our knowledge

NM_001394062.1(MACF1):c.22355G>A (p.Gly7452Asp)

Gene: MACF1 (microtubule actin crosslinking factor 1; plus strand). Cytogenetic location: 1p34.3.
Variant type: single nucleotide variant.
Coding change: c.22355G>A on transcript NM_001394062.1 (MANE Select); coding-DNA position 22355, G replaced by A.
Protein change: p.Gly7452Asp; replaces glycine 7452 with aspartic acid.
Molecular consequence: missense variant.
Genome position (GRCh38, 1-based): chr1:39,484,674, G>A. VCF-style: chr1-39484674-G-A. GRCh37 (hg19) VCF-style: chr1-39950346-G-A.
Other names: c.10235G>A, p.Gly3412Asp (NM_001397473.1); c.15980G>A, p.Gly5327Asp (NM_012090.5); short protein forms G3412D, G5327D, G7452D.
Identifiers: ClinVar variation 4071588 (VCV004071588.1).